The following is an entry in ClinVar:

ClinVar aggregate classification (germline): Pathogenic. Review status: criteria provided, multiple submitters, no conflicts (2 of 4 stars). 2 submissions from 2 submitters: Pathogenic (2). Last evaluated 2024-01-10.

Conditions:
Retinitis pigmentosa 25 (RP25). Identifiers: Orphanet 791, MedGen C1864446, MONDO:0011272, OMIM 602772.

Submissions (2):

Myriad Genetics, Inc.
Classification: Pathogenic for Retinitis pigmentosa 25. Last evaluated: 2024-01-10. Review status: criteria provided, single submitter. Criteria: Myriad Autosomal Dominant, Autosomal Recessive and X-Linked Classification Criteria (2023). Collection method: clinical testing. Allele origin: unknown.
Comment: NM_001142800.1(EYS):c.7708A>T(K2570*) is expected to be pathogenic in the context of retinitis pigmentosa, EYS-related. This variant is predicted to lead to an abnormal or absent protein product due to the creation of a premature termination codon in EYS, a gene where loss-of-function variants are known to be pathogenic. Please note: this variant was assessed in the context of healthy population screening.

Labcorp Genetics (formerly Invitae), Labcorp
Classification: Pathogenic. Last evaluated: 2022-06-15. Review status: criteria provided, single submitter. Criteria: Invitae Variant Classification Sherloc (09022015). Collection method: clinical testing. Allele origin: germline.
Comment: This variant is not present in population databases (gnomAD no frequency). This sequence change creates a premature translational stop signal (p.Lys2570*) in the EYS gene. It is expected to result in an absent or disrupted protein product. Loss-of-function variants in EYS are known to be pathogenic (PMID: 18836446, 20333770). This variant has not been reported in the literature in individuals affected with EYS-related conditions. For these reasons, this variant has been classified as Pathogenic.

Literature cited by the submitters: PubMed 18836446 (cited by Labcorp Genetics (formerly Invitae), Labcorp); PubMed 20333770 (cited by Labcorp Genetics (formerly Invitae), Labcorp).

NM_001142800.2(EYS):c.7708A>T (p.Lys2570Ter)

Gene: EYS (EGF-like photoreceptor maintenance factor; minus strand). Cytogenetic location: 6q12.
Variant type: single nucleotide variant.
Coding change: c.7708A>T on transcript NM_001142800.2 (MANE Select); coding-DNA position 7708, A replaced by T.
Protein change: p.Lys2570Ter; replaces lysine 2570 with a stop codon.
Molecular consequence: nonsense.
Genome position (GRCh38, 1-based): chr6:63,788,120, T>A on the plus strand (A>T on the coding strand, the complement: EYS is on the minus strand). VCF-style: chr6-63788120-T-A. GRCh37 (hg19) VCF-style: chr6-64498013-T-A.
Other names: c.7708A>T, p.Lys2570Ter (NM_001292009.2); short protein forms K2570*.
Identifiers: ClinVar variation 2007046 (VCV002007046.5), dbSNP rs2533539661, ClinGen allele CA364384751.